The following is an entry in ClinVar:

NM_206933.4(USH2A):c.14905G>T (p.Gly4969Ter)

Gene: USH2A (usherin; minus strand). Cytogenetic location: 1q41.
Variant type: single nucleotide variant.
Coding change: c.14905G>T on transcript NM_206933.4 (MANE Select); coding-DNA position 14905, G replaced by T.
Protein change: p.Gly4969Ter; replaces glycine 4969 with a stop codon.
Molecular consequence: nonsense.
Genome position (GRCh38, 1-based): chr1:215,640,621, C>A on the plus strand (G>T on the coding strand, the complement: USH2A is on the minus strand). VCF-style: chr1-215640621-C-A. GRCh37 (hg19) VCF-style: chr1-215813963-C-A.
Other names: short protein forms G4969*.
Identifiers: ClinVar variation 1447079 (VCV001447079.6), dbSNP rs753226272, ClinGen allele CA344827788.

ClinVar aggregate classification (germline): Pathogenic (1 of 4 stars; one submission).

Submission:

Labcorp Genetics (formerly Invitae), Labcorp
Classification: Pathogenic. Last evaluated: 2024-01-29. Review status: criteria provided, single submitter. Criteria: Invitae Variant Classification Sherloc (09022015). Collection method: clinical testing. Allele origin: germline.
Comment: This sequence change creates a premature translational stop signal (p.Gly4969*) in the USH2A gene. It is expected to result in an absent or disrupted protein product. Loss-of-function variants in USH2A are known to be pathogenic (PMID: 10729113, 10909849, 20507924, 25649381). This variant is not present in population databases (gnomAD no frequency). This variant has not been reported in the literature in individuals affected with USH2A-related conditions. ClinVar contains an entry for this variant (Variation ID: 1447079). For these reasons, this variant has been classified as Pathogenic.

Literature cited by the submitters: PubMed 10729113; PubMed 10909849; PubMed 20507924; PubMed 25649381.